The following is an entry in ClinVar:

ClinVar aggregate classification (germline): Uncertain significance (1 of 4 stars; one submission).

Allele frequency attached by ClinVar (database versions not stated): ExAC 0.00001; gnomAD exomes 0.00001.
gnomAD v4.1: 8 of 1,610,072 alleles (0.0005%); highest among the groups gnomAD compares: South Asian, 0.0022%; no homozygotes.

Submission:

Labcorp Genetics (formerly Invitae), Labcorp
Classification: Uncertain significance. Last evaluated: 2022-11-08. Review status: criteria provided, single submitter. Criteria: Invitae Variant Classification Sherloc (09022015). Collection method: clinical testing. Allele origin: germline.
Comment: In summary, the available evidence is currently insufficient to determine the role of this variant in disease. Therefore, it has been classified as a Variant of Uncertain Significance. This sequence change replaces aspartic acid, which is acidic and polar, with asparagine, which is neutral and polar, at codon 271 of the SP7 protein (p.Asp271Asn). This variant is present in population databases (rs753586570, gnomAD 0.0009%). This variant has not been reported in the literature in individuals affected with SP7-related conditions. Algorithms developed to predict the effect of missense changes on protein structure and function are either unavailable or do not agree on the potential impact of this missense change (SIFT: "Deleterious"; PolyPhen-2: "Benign"; Align-GVGD: "Class C0").

NM_001173467.3(SP7):c.811G>A (p.Asp271Asn)

Gene: SP7 (Sp7 transcription factor; minus strand). Cytogenetic location: 12q13.13.
Variant type: single nucleotide variant.
Coding change: c.811G>A on transcript NM_001173467.3 (MANE Select); coding-DNA position 811, G replaced by A.
Protein change: p.Asp271Asn; replaces aspartic acid 271 with asparagine.
Molecular consequence: missense variant.
Genome position (GRCh38, 1-based): chr12:53,328,631, C>T on the plus strand (G>A on the coding strand, the complement: SP7 is on the minus strand). VCF-style: chr12-53328631-C-T. GRCh37 (hg19) VCF-style: chr12-53722415-C-T.
Other names: c.757G>A, p.Asp253Asn (NM_001300837.2); c.811G>A, p.Asp271Asn (NM_152860.2); short protein forms D253N, D271N.
Identifiers: ClinVar variation 1906460 (VCV001906460.5), dbSNP rs753586570, ClinGen allele CA6599518.